The following is an entry in ClinVar:

NM_001940.4(ATN1):c.467C>G (p.Ala156Gly)

Gene: ATN1 (atrophin 1; plus strand). Cytogenetic location: 12p13.31.
Variant type: single nucleotide variant.
Coding change: c.467C>G on transcript NM_001940.4 (MANE Select); coding-DNA position 467, C replaced by G.
Protein change: p.Ala156Gly; replaces alanine 156 with glycine.
Molecular consequence: missense variant.
Genome position (GRCh38, 1-based): chr12:6,935,734, C>G. VCF-style: chr12-6935734-C-G. GRCh37 (hg19) VCF-style: chr12-7044897-C-G.
Other names: c.467C>G, p.Ala156Gly (NM_001007026.2, NM_001424176.1, NM_001424177.1 and 1 more transcripts); c.464C>G, p.Ala155Gly (NM_001424179.1, NM_001424180.1, NM_001424182.1); short protein forms A155G, A156G.
Identifiers: ClinVar variation 3340033 (VCV003340033.1).

ClinVar aggregate classification (germline): Uncertain significance (1 of 4 stars; one submission).

Submission:

Women's Health and Genetics/Laboratory Corporation of America, LabCorp
Classification: Uncertain significance. Last evaluated: 2024-06-17. Review status: criteria provided, single submitter. Criteria: LabCorp Variant Classification Summary - May 2015. Collection method: clinical testing. Allele origin: germline.
Comment: Variant summary: ATN1 c.467C>G (p.Ala156Gly) results in a non-conservative amino acid change in the encoded protein sequence. Four of five in-silico tools predict a benign effect of the variant on protein function. The variant was absent in 250886 control chromosomes. The available data on variant occurrences in the general population are insufficient to allow any conclusion about variant significance. To our knowledge, no occurrence of c.467C>G in individuals affected with ATN1-Related Disorders and no experimental evidence demonstrating its impact on protein function have been reported. No submitters have cited clinical-significance assessments for this variant to ClinVar. Based on the evidence outlined above, the variant was classified as uncertain significance.